The following is an entry in ClinVar:

ClinVar aggregate classification (germline): Likely benign (0 of 4 stars; one submission).

Conditions:
PLXNA4-related disorder. Also called: PLXNA4-related condition.

Allele frequency attached by ClinVar (database versions not stated): ExAC 0.00001; gnomAD 0.00001; TOPMed 0.00001; gnomAD exomes 0.00002.
gnomAD v4.1: 34 of 1,613,740 alleles (0.0021%); highest among the groups gnomAD compares: Admixed American, 0.005%; no homozygotes.

Submission:

PreventionGenetics, part of Exact Sciences
Classification: Likely benign for PLXNA4-related condition. Last evaluated: 2021-10-13. Review status: no assertion criteria provided. Collection method: clinical testing. Allele origin: germline.
Comment: This variant is classified as likely benign based on ACMG/AMP sequence variant interpretation guidelines (Richards et al. 2015 PMID: 25741868, with internal and published modifications).

NM_020911.2(PLXNA4):c.1140G>A (p.Thr380=)

Gene: PLXNA4 (plexin A4; minus strand). Cytogenetic location: 7q32.3.
Variant type: single nucleotide variant.
Coding change: c.1140G>A on transcript NM_020911.2 (MANE Select); coding-DNA position 1140, G replaced by A.
Protein change: p.Thr380=; no amino-acid change (threonine 380 retained).
Molecular consequence: synonymous variant.
Genome position (GRCh38, 1-based): chr7:132,507,554, C>T on the plus strand (G>A on the coding strand, the complement: PLXNA4 is on the minus strand). VCF-style: chr7-132507554-C-T. GRCh37 (hg19) VCF-style: chr7-132192313-C-T.
Other names: c.1140G>A, p.Thr380= (NM_001105543.2, NM_001393897.1, NM_181775.4).
Identifiers: ClinVar variation 3061487 (VCV003061487.2), dbSNP rs751382777, ClinGen allele CA4490366.